The following is an entry in ClinVar:

ClinVar aggregate classification (germline): Uncertain significance. Review status: criteria provided, multiple submitters, no conflicts (2 of 4 stars). 2 submissions from 2 submitters: Uncertain significance (2). Last evaluated 2024-09-17.

Submissions (2):

GeneDx
Classification: Uncertain significance. Last evaluated: 2024-09-17. Review status: criteria provided, single submitter. Criteria: GeneDx Variant Classification Process June 2021. Collection method: clinical testing. Allele origin: germline. Affected: yes.
Comment: Not observed at significant frequency in large population cohorts (gnomAD); In silico analysis supports that this missense variant has a deleterious effect on protein structure/function; Has not been previously published as pathogenic or benign to our knowledge

Institute for Clinical Genetics, University Hospital TU Dresden, University Hospital TU Dresden
Classification: Uncertain significance. Last evaluated: 2021-11-03. Review status: criteria provided, single submitter. Criteria: ACMG Guidelines, 2015. Collection method: clinical testing. Allele origin: germline.

NM_181332.3(NLGN4X):c.1316C>T (p.Thr439Ile)

Gene: NLGN4X (neuroligin 4 X-linked; minus strand). Cytogenetic location: Xp22.32.
Variant type: single nucleotide variant.
Coding change: c.1316C>T on transcript NM_181332.3 (MANE Select); coding-DNA position 1316, C replaced by T.
Protein change: p.Thr439Ile; replaces threonine 439 with isoleucine.
Molecular consequence: missense variant.
Genome position (GRCh38, 1-based): chrX:5,903,362, G>A on the plus strand (C>T on the coding strand, the complement: NLGN4X is on the minus strand). VCF-style: chrX-5903362-G-A. GRCh37 (hg19) VCF-style: chrX-5821403-G-A.
Other names: c.1316C>T, p.Thr439Ile (NM_001282145.2, NM_001282146.2, NM_020742.4); c.1316C>T (NM_020742.2); short protein forms T439I.
Identifiers: ClinVar variation 1319249 (VCV001319249.4), dbSNP rs2146731722, ClinGen allele CA412010654.
Genomic context (GRCh38, chrX:5,903,362, plus strand): 5'-AGGTCGGCGGTGGCCACGGCGGGGGCCACCCACTGGTGGTCAGTAAAGAGAGCCACCAGG[G>A]TTTTCCGCCGCGTCTCCGGGTTTTCCTTATCGGCCCAGTCTGTGTACATGAACTTGATAG-3'
Protein context (NP_851849.1, residues 429-449): DKENPETRRK[Thr439Ile]LVALFTDHQW